The following is an entry in ClinVar:

NM_020207.7(ERCC6L2):c.3415C>T (p.Arg1139Ter)

Gene: ERCC6L2 (ERCC excision repair 6 like 2; plus strand). Cytogenetic location: 9q22.32.
Variant type: single nucleotide variant.
Coding change: c.3415C>T on transcript NM_020207.7 (MANE Select); coding-DNA position 3415, C replaced by T.
Protein change: p.Arg1139Ter; replaces arginine 1139 with a stop codon.
Molecular consequence: nonsense. On other transcripts: non-coding transcript variant (1).
Genome position (GRCh38, 1-based): chr9:95,978,138, C>T. VCF-style: chr9-95978138-C-T. GRCh37 (hg19) VCF-style: chr9-98740420-C-T.
Other names: c.3415C>T, p.Arg1139Ter (NM_001375291.1, NM_001375292.1, NM_001375293.1 and 1 more transcripts); short protein forms R1139*.
Identifiers: ClinVar variation 2957778 (VCV002957778.3), dbSNP rs369124504, ClinGen allele CA5139917.

ClinVar aggregate classification (germline): Pathogenic (1 of 4 stars; one submission).

Allele frequency attached by ClinVar (database versions not stated): ESP Exome Variant Server 0.00008.
gnomAD v4.1: 22 of 1,367,172 alleles (0.0016%); highest among the groups gnomAD compares: South Asian, 0.0045%; no homozygotes.

Submission:

Labcorp Genetics (formerly Invitae), Labcorp
Classification: Pathogenic. Last evaluated: 2025-02-24. Review status: criteria provided, single submitter. Criteria: Invitae Variant Classification Sherloc (09022015). Collection method: clinical testing. Allele origin: germline.
Comment: This sequence change creates a premature translational stop signal (p.Arg1150*) in the ERCC6L2 gene. It is expected to result in an absent or disrupted protein product. Loss-of-function variants in ERCC6L2 are known to be pathogenic (PMID: 24507776, 27185855, 29146883, 29987015). This variant is present in population databases (rs369124504, gnomAD 0.007%). This variant has not been reported in the literature in individuals affected with ERCC6L2-related conditions. ClinVar contains an entry for this variant (Variation ID: 2957778). For these reasons, this variant has been classified as Pathogenic.

Literature cited by the submitters: PubMed 24507776; PubMed 27185855; PubMed 29146883; PubMed 29987015.